The following is an entry in ClinVar:

ClinVar aggregate classification (germline): Benign/Likely benign. Review status: criteria provided, multiple submitters, no conflicts (2 of 4 stars). 3 submissions from 3 submitters: Benign (1); Likely benign (2). Last evaluated 2019-02-28.

Conditions:
Dyskeratosis congenita, autosomal recessive 1. Identifiers: Orphanet 1775, MedGen C1857144, MONDO:0009136, OMIM 224230.

Allele frequency attached by ClinVar (database versions not stated): gnomAD exomes 0.00122; gnomAD 0.00915 and 0.00972; TOPMed 0.01016; 1000 Genomes Project 0.01138; 1000 Genomes Project 30x 0.01140.
gnomAD v4.1: 2,429 of 936,098 alleles (0.26%); highest among the groups gnomAD compares: African/African-American, 3%; 30 homozygotes.

Submissions (3):

GeneDx
Classification: Likely benign. Last evaluated: 2019-02-28. Review status: criteria provided, single submitter. Criteria: GeneDx Variant Classification Process June 2021. Collection method: clinical testing. Allele origin: germline. Affected: yes.
Comment: See Variant Classification Assertion Criteria.

Illumina Laboratory Services, Illumina
Classification: Benign for Dyskeratosis congenita, autosomal recessive 1. Last evaluated: 2018-01-12. Review status: criteria provided, single submitter. Criteria: ICSL Variant Classification Criteria 13 December 2019. Collection method: clinical testing. Allele origin: germline.
Comment: This variant was observed in the ICSL laboratory as part of a predisposition screen in an ostensibly healthy population. It had not been previously curated by ICSL or reported in the Human Gene Mutation Database (HGMD: prior to June 1st, 2018), and was therefore a candidate for classification through an automated scoring system. Utilizing variant allele frequency, disease prevalence and penetrance estimates, and inheritance mode, an automated score was calculated to assess if this variant is too frequent to cause the disease. Based on the score and internal cut-off values, a variant classified as benign is not then subjected to further curation. The score for this variant resulted in a classification of benign for this disease.

Breakthrough Genomics
Classification: Likely benign. Review status: criteria provided, single submitter. Criteria: ACMG Guidelines, 2015. Collection method: not provided. Allele origin: germline. Inheritance: Autosomal recessive inheritance. Affected: yes.

NM_018648.4(NOP10):c.*129G>A

Gene: NOP10 (NOP10 ribonucleoprotein; minus strand). Cytogenetic location: 15q14.
Variant type: single nucleotide variant.
Coding change: c.*129G>A on transcript NM_018648.4 (MANE Select); 129 bases downstream of the stop codon, G replaced by A.
Molecular consequence: 3 prime UTR variant.
Genome position (GRCh38, 1-based): chr15:34,341,839, C>T on the plus strand (G>A on the coding strand, the complement: NOP10 is on the minus strand). VCF-style: chr15-34341839-C-T. GRCh37 (hg19) VCF-style: chr15-34634040-C-T.
Identifiers: ClinVar variation 315632 (VCV000315632.7), dbSNP rs115413508, ClinGen allele CA10635835.